The following is an entry in ClinVar:

ClinVar aggregate classification (germline): Uncertain significance (1 of 4 stars; one submission).

Conditions:
Hereditary cancer-predisposing syndrome. Also called: Hereditary neoplastic syndrome; Neoplastic Syndromes, Hereditary; Tumor predisposition; Hereditary Cancer Syndrome. Identifiers: Orphanet 140162, MedGen C0027672, MeSH D009386, MONDO:0015356.

Submission:

Ambry Genetics
Classification: Uncertain significance for Hereditary cancer-predisposing syndrome. Last evaluated: 2025-09-12. Review status: criteria provided, single submitter. Criteria: Ambry Variant Classification Scheme 2023. Collection method: clinical testing. Allele origin: germline.
Comment: The c.2719T>G variant (also known as p.*907Eext*41), located in coding exon 17 of the CTNNA1 gene, results from a T to G substitution at nucleotide position 2719. This alteration disrupts the stop codon of the CTNNA1 gene and is predicted to preserve the native sequence while resulting in the elongation of the protein by 41 amino acids. The exact functional effect of the additional amino acids is unknown. Based on the available evidence, the clinical significance of this variant remains unclear.

NM_001903.5(CTNNA1):c.2719T>G (p.Ter907Glu)

Gene: CTNNA1 (catenin alpha 1; plus strand). Cytogenetic location: 5q31.2.
Variant type: single nucleotide variant.
Coding change: c.2719T>G on transcript NM_001903.5 (MANE Select); coding-DNA position 2719, T replaced by G.
Protein change: p.Ter907Glu.
Molecular consequence: stop lost. On other transcripts: 3 prime UTR variant (5).
Genome position (GRCh38, 1-based): chr5:138,934,087, T>G. VCF-style: chr5-138934087-T-G. GRCh37 (hg19) VCF-style: chr5-138269776-T-G.
Other names: c.*264T>G (NM_001290307.3, NM_001324002.1, NM_001324003.1 and 2 more transcripts); c.2410T>G, p.Ter804Glu (NM_001290309.3); c.2350T>G, p.Ter784Glu (NM_001290310.3); c.1609T>G, p.Ter537Glu (NM_001290312.1, NM_001323987.1, NM_001323988.1 and 12 more transcripts); c.2719T>G, p.Ter907Glu (NM_001323982.2, NM_001323983.1, NM_001323984.2); c.2692T>G, p.Ter898Glu (NM_001323985.2); c.2626T>G, p.Ter876Glu (NM_001323986.2); c.1474T>G, p.Ter492Glu (NM_001324001.1); and 3 more.
Identifiers: ClinVar variation 3837179 (VCV003837179.2).